The following is an entry in ClinVar:

NM_005562.3(LAMC2):c.2708AAG[4] (p.Glu905_Ala906insGlu)

Gene: LAMC2 (laminin subunit gamma 2; plus strand). Cytogenetic location: 1q25.3.
Variant type: Microsatellite.
Coding change: c.2708AAG[4] on transcript NM_005562.3 (MANE Select); four copies in a row of the 3-base unit AAG starting at c.2708; the reference has three copies in a row; one copy, 3 bases duplicated; also written c.2714_2716dup.
Protein change: p.Glu905_Ala906insGlu.
Molecular consequence: inframe insertion.
Genome position (GRCh38, 1-based): chr1:183,237,464-183,237,466, AAG duplicated; duplicating any 3 consecutive bases within chr1:183,237,458-183,237,466 gives the same sequence; the position shown is the placement nearest the transcript's 3' end. VCF-style (leftmost placement, unchanged base first): chr1-183237457-A-AAAG. GRCh37 (hg19) VCF-style: chr1-183206592-A-AAAG.
Other names: c.2708AAG[4], p.Glu905_Ala906insGlu (NM_018891.3); c.2714_2716dup (NM_005562.3).
Identifiers: ClinVar variation 5005382 (VCV005005382.2).

ClinVar aggregate classification (germline): Uncertain significance (1 of 4 stars; one submission).

Conditions:
Epidermolysis bullosa, junctional 3B, severe. Also called: EPIDERMOLYSIS BULLOSA, JUNCTIONAL 3B, GENERALIZED SEVERE; EPIDERMOLYSIS BULLOSA, JUNCTIONAL 3B, HERLITZ TYPE. Identifiers: MedGen C5676939, MONDO:0030749, OMIM 619786.
Epidermolysis bullosa, junctional 3A, intermediate. Also called: EPIDERMOLYSIS BULLOSA, JUNCTIONAL 3A, NON-HERLITZ TYPE; EPIDERMOLYSIS BULLOSA, JUNCTIONAL 3A, GENERALIZED INTERMEDIATE. Identifiers: MedGen C5676938, MONDO:0030748, OMIM 619785.

Submission:

Juno Genomics, Hangzhou Juno Genomics, Inc
Classification: Uncertain significance for Epidermolysis bullosa, junctional 3A, intermediate; Epidermolysis bullosa, junctional 3B, severe. Review status: criteria provided, single submitter. Criteria: ACMG Guidelines, 2015. Collection method: clinical testing. Allele origin: germline.
Comment: Absent from controls (or at extremely low frequency if recessive) in Genome Aggregation Database.;Protein length changes due to in-frame deletions/insertions in a non-repeat region or stop-loss variants.